The following is an entry in ClinVar:

NM_001267550.2(TTN):c.85308C>T (p.Ala28436=)

Genes: TTN (titin; minus strand), TTN-AS1 (TTN antisense RNA 1; plus strand). Cytogenetic location: 2q31.2.
Variant type: single nucleotide variant.
Coding change: c.85308C>T on transcript NM_001267550.2 (MANE Select); coding-DNA position 85308, C replaced by T.
Protein change: p.Ala28436=; no amino-acid change (alanine 28436 retained).
Molecular consequence: synonymous variant.
Genome position (GRCh38, 1-based): chr2:178,560,824, G>A on the plus strand (C>T on the coding strand, the complement: TTN is on the minus strand). VCF-style: chr2-178560824-G-A. GRCh37 (hg19) VCF-style: chr2-179425551-G-A.
Other names: c.80385C>T, p.Ala26795= (NM_001256850.1); c.58113C>T, p.Ala19371= (NM_003319.4); c.77604C>T, p.Ala25868= (NM_133378.4); c.58488C>T, p.Ala19496= (NM_133432.3); c.58689C>T, p.Ala19563= (NM_133437.4).
Identifiers: ClinVar variation 697405 (VCV000697405.33), dbSNP rs765611726, ClinGen allele CA1988665.

ClinVar aggregate classification (germline): Likely benign. Review status: criteria provided, multiple submitters, no conflicts (2 of 4 stars). 5 submissions from 5 submitters: Likely benign (3). 2 of the submissions do not count toward it. Last evaluated 2025-09-28.

Conditions:
Cardiovascular phenotype. Identifiers: MedGen CN230736.
Autosomal recessive limb-girdle muscular dystrophy type 2J (LGMDR10). Also called: Limb-girdle muscular dystrophy, type 2J; MUSCULAR DYSTROPHY, LIMB-GIRDLE, AUTOSOMAL RECESSIVE 10. Identifiers: Orphanet 140922, MedGen C1837342, MONDO:0012127, OMIM 608807.
Dilated cardiomyopathy 1G (CMD1G). Identifiers: Orphanet 154, MedGen C1858763, MONDO:0011400, OMIM 604145.

Allele frequency attached by ClinVar (database versions not stated): TOPMed 0.00003; gnomAD 0.00004 and 0.00007; gnomAD exomes 0.00004 and 0.00008; ExAC 0.00007.
gnomAD v4.1: 65 of 1,613,576 alleles (0.004%); highest among the groups gnomAD compares: South Asian, 0.054%; no homozygotes.

Submissions (5):

Labcorp Genetics (formerly Invitae), Labcorp
Classification: Likely benign for Dilated cardiomyopathy 1G; Autosomal recessive limb-girdle muscular dystrophy type 2J. Last evaluated: 2025-09-28. Review status: criteria provided, single submitter. Criteria: Invitae Variant Classification Sherloc (09022015). Collection method: clinical testing. Allele origin: germline.

CeGaT Center for Human Genetics Tuebingen
Classification: Likely benign. Last evaluated: 2024-06-01. Review status: criteria provided, single submitter. Criteria: CeGaT Center For Human Genetics Tuebingen Variant Classification Criteria Version 2. Collection method: clinical testing. Allele origin: germline. Affected: yes. Observed: 1 variant allele.
Comment: TTN: BP4, BP7

Ambry Genetics
Classification: Likely benign for Cardiovascular phenotype. Last evaluated: 2021-01-07. Review status: criteria provided, single submitter. Criteria: Ambry Variant Classification Scheme 2023. Collection method: clinical testing. Allele origin: germline.

Clinical Genetics, Academic Medical Center
Classification: Benign. Review status: no assertion criteria provided. Collection method: clinical testing. Allele origin: germline. Affected: yes. Study: VKGL Data-share Consensus. Not counted in ClinVar's aggregate classification.

Genome Diagnostics Laboratory, University Medical Center Utrecht
Classification: Likely benign. Review status: no assertion criteria provided. Collection method: clinical testing. Allele origin: germline. Affected: yes. Study: VKGL Data-share Consensus. Not counted in ClinVar's aggregate classification.